The following is an entry in ClinVar:

NM_001382391.1(CSPP1):c.3585dup (p.Arg1196fs)

Genes: ARFGEF1 (ARF guanine nucleotide exchange factor 1; minus strand), CSPP1 (centrosome and spindle pole associated protein 1; plus strand). Cytogenetic location: 8q13.2.
Variant type: Duplication.
Coding change: c.3585dup on transcript NM_001382391.1 (MANE Select); coding-DNA position 3585, one base duplicated (A; older notation c.3585dupA).
Protein change: p.Arg1196fs; shifts the reading frame from arginine 1196.
Molecular consequence: frameshift variant. On other transcripts: 3 prime UTR variant (1), intron variant (2).
Genome position (GRCh38, 1-based): chr8:67,195,497, A duplicated; the last of 3 consecutive A bases (chr8:67,195,495-67,195,497); duplicating any one gives the same sequence. VCF-style (leftmost placement, unchanged base first): chr8-67195494-G-GA. GRCh37 (hg19) VCF-style: chr8-68107729-G-GA.
Other names: c.2535dup, p.Arg846fs (NM_001291339.2); c.3504dup, p.Arg1169fs (NM_001363131.2); c.3390dup, p.Arg1131fs (NM_001363132.2); c.3309dup, p.Arg1104fs (NM_001363133.2); c.3651dup, p.Arg1218fs (NM_001364869.1); c.3471dup, p.Arg1158fs (NM_001364870.1); c.3417dup, p.Arg1140fs (NM_001438330.1); c.*77dup (NM_001438331.1); and 4 more; short protein forms R1104fs, R1218fs, R846fs, R1131fs, R1158fs, R1191fs, R1169fs, R1196fs.
Identifiers: ClinVar variation 1954438 (VCV001954438.5), dbSNP rs2491090683, ClinGen allele CA2580078904.

ClinVar aggregate classification (germline): Uncertain significance (1 of 4 stars; one submission).

Conditions:
Joubert syndrome 21 (JBTS21). Identifiers: MedGen C3810212, MONDO:0014288, OMIM 615636.

Submission:

Labcorp Genetics (formerly Invitae), Labcorp
Classification: Uncertain significance for Joubert syndrome 21. Last evaluated: 2022-07-19. Review status: criteria provided, single submitter. Criteria: Invitae Variant Classification Sherloc (09022015). Collection method: clinical testing. Allele origin: germline.
Comment: In summary, the available evidence is currently insufficient to determine the role of this variant in disease. Therefore, it has been classified as a Variant of Uncertain Significance. This variant has not been reported in the literature in individuals affected with CSPP1-related conditions. This variant is not present in population databases (gnomAD no frequency). This sequence change results in a frameshift in the CSPP1 gene (p.Arg1191Thrfs*34). While this is not anticipated to result in nonsense mediated decay, it is expected to disrupt the last 31 amino acid(s) of the CSPP1 protein and extend the protein by 2 additional amino acid residues.